The following is an entry in ClinVar:

ClinVar aggregate classification (germline): Uncertain significance. Review status: criteria provided, multiple submitters, no conflicts (2 of 4 stars). 3 submissions from 3 submitters: Uncertain significance (3). Last evaluated 2025-09-09.

Conditions:
Inborn genetic diseases. Identifiers: MedGen C0950123, MeSH D030342.

Allele frequency attached by ClinVar (database versions not stated): ExAC 0.00004; gnomAD exomes 0.00004 and 0.00007; TOPMed 0.00006; gnomAD 0.00007.
gnomAD v4.1: 110 of 1,614,048 alleles (0.0068%); highest among the groups gnomAD compares: Non-Finnish European, 0.0086%; no homozygotes.

Submissions (3):

Ambry Genetics
Classification: Uncertain significance for Inborn genetic diseases. Last evaluated: 2025-09-09. Review status: criteria provided, single submitter. Criteria: Ambry Variant Classification Scheme 2023. Collection method: clinical testing. Allele origin: germline.

Blueprint Genetics
Classification: Uncertain significance. Last evaluated: 2024-02-15. Review status: criteria provided, single submitter. Criteria: ACMG Guidelines, 2015. Collection method: clinical testing. Allele origin: germline.

Labcorp Genetics (formerly Invitae), Labcorp
Classification: Uncertain significance. Last evaluated: 2022-09-27. Review status: criteria provided, single submitter. Criteria: Invitae Variant Classification Sherloc (09022015). Collection method: clinical testing. Allele origin: germline.
Comment: This sequence change replaces arginine, which is basic and polar, with glutamine, which is neutral and polar, at codon 213 of the ADAMTS18 protein (p.Arg213Gln). This variant is present in population databases (rs763323193, gnomAD 0.01%). This variant has not been reported in the literature in individuals affected with ADAMTS18-related conditions. ClinVar contains an entry for this variant (Variation ID: 852338). Algorithms developed to predict the effect of missense changes on protein structure and function output the following: SIFT: "Not Available"; PolyPhen-2: "Benign"; Align-GVGD: "Not Available". The glutamine amino acid residue is found in multiple mammalian species, which suggests that this missense change does not adversely affect protein function. In summary, the available evidence is currently insufficient to determine the role of this variant in disease. Therefore, it has been classified as a Variant of Uncertain Significance.

NM_199355.4(ADAMTS18):c.638G>A (p.Arg213Gln)

Gene: ADAMTS18 (ADAM metallopeptidase with thrombospondin type 1 motif 18; minus strand). Cytogenetic location: 16q23.1.
Variant type: single nucleotide variant.
Coding change: c.638G>A on transcript NM_199355.4 (MANE Select); coding-DNA position 638, G replaced by A.
Protein change: p.Arg213Gln; replaces arginine 213 with glutamine.
Molecular consequence: missense variant.
Genome position (GRCh38, 1-based): chr16:77,367,581, C>T on the plus strand (G>A on the coding strand, the complement: ADAMTS18 is on the minus strand). VCF-style: chr16-77367581-C-T. GRCh37 (hg19) VCF-style: chr16-77401478-C-T.
Other names: c.118G>A, p.Gly40Ser (NM_001326358.2); c.638G>A (NM_199355.2); short protein forms R213Q, G40S.
Identifiers: ClinVar variation 852338 (VCV000852338.8), dbSNP rs763323193, ClinGen allele CA8181614.